The following is an entry in ClinVar:

NM_003718.5(CDK13):c.1187G>T (p.Arg396Leu)

Gene: CDK13 (cyclin dependent kinase 13; plus strand). Cytogenetic location: 7p14.1.
Variant type: single nucleotide variant.
Coding change: c.1187G>T on transcript NM_003718.5 (MANE Select); coding-DNA position 1187, G replaced by T.
Protein change: p.Arg396Leu; replaces arginine 396 with leucine.
Molecular consequence: missense variant.
Genome position (GRCh38, 1-based): chr7:39,951,828, G>T. VCF-style: chr7-39951828-G-T. GRCh37 (hg19) VCF-style: chr7-39991427-G-T.
Other names: c.1187G>T, p.Arg396Leu (NM_031267.4); short protein forms R396L.
Identifiers: ClinVar variation 2575771 (VCV002575771.1), dbSNP rs2116073789, ClinGen allele CA367311821.

ClinVar aggregate classification (germline): Uncertain significance (1 of 4 stars; one submission).

Submission:

GeneDx
Classification: Uncertain significance. Last evaluated: 2023-02-10. Review status: criteria provided, single submitter. Criteria: GeneDx Variant Classification Process June 2021. Collection method: clinical testing. Allele origin: germline. Affected: yes.
Comment: Not observed at significant frequency in large population cohorts (gnomAD); In silico analysis supports that this missense variant has a deleterious effect on protein structure/function; Has not been previously published as pathogenic or benign to our knowledge